The following is an entry in ClinVar:

NM_001304359.2(MUC5AC):c.13572T>C (p.Ala4524=)

Gene: MUC5AC (mucin 5AC, oligomeric mucus/gel-forming; plus strand). Cytogenetic location: 11p15.5.
Variant type: single nucleotide variant.
Coding change: c.13572T>C on transcript NM_001304359.2 (MANE Select); coding-DNA position 13572, T replaced by C.
Protein change: p.Ala4524=; no amino-acid change (alanine 4524 retained).
Molecular consequence: synonymous variant.
Genome position (GRCh38, 1-based): chr11:1,191,717, T>C. VCF-style: chr11-1191717-T-C. GRCh37 (hg19) VCF-style: chr11-1212942-T-C.
Identifiers: ClinVar variation 2641165 (VCV002641165.24), dbSNP rs201069081, ClinGen allele CA5802408.

ClinVar aggregate classification (germline): Likely benign (1 of 4 stars; one submission).

Allele frequency attached by ClinVar (database versions not stated): gnomAD 0.00001; ExAC 0.00003.

Submission:

CeGaT Center for Human Genetics Tuebingen
Classification: Likely benign. Last evaluated: 2023-08-01. Review status: criteria provided, single submitter. Criteria: CeGaT Center For Human Genetics Tuebingen Variant Classification Criteria Version 2. Collection method: clinical testing. Allele origin: germline. Affected: yes. Observed: 1 variant allele.
Comment: MUC5AC: BP4, BP7